The following is an entry in ClinVar:

NM_006939.4(SOS2):c.3638C>G (p.Pro1213Arg)

Gene: SOS2 (SOS Ras/Rho guanine nucleotide exchange factor 2; minus strand). Cytogenetic location: 14q21.3.
Variant type: single nucleotide variant.
Coding change: c.3638C>G on transcript NM_006939.4 (MANE Select); coding-DNA position 3638, C replaced by G.
Protein change: p.Pro1213Arg; replaces proline 1213 with arginine.
Molecular consequence: missense variant.
Genome position (GRCh38, 1-based): chr14:50,118,705, G>C on the plus strand (C>G on the coding strand, the complement: SOS2 is on the minus strand). VCF-style: chr14-50118705-G-C. GRCh37 (hg19) VCF-style: chr14-50585423-G-C.
Other names: c.3638C>G (NM_006939.2); c.3539C>G, p.Pro1180Arg (NM_001411020.1); short protein forms P1180R, P1213R.
Identifiers: ClinVar variation 2719138 (VCV002719138.4), dbSNP rs2502758194, ClinGen allele CA389638452.

ClinVar aggregate classification (germline): Uncertain significance. Review status: criteria provided, multiple submitters, no conflicts (2 of 4 stars). 2 submissions from 2 submitters: Uncertain significance (2). Last evaluated 2025-06-10.

Conditions:
Noonan syndrome 9 (NS9). Identifiers: Orphanet 648, MedGen C4225282, MONDO:0014691, OMIM 616559.
Cardiovascular phenotype. Identifiers: MedGen CN230736.

Submissions (2):

Ambry Genetics
Classification: Uncertain significance for Cardiovascular phenotype. Last evaluated: 2025-06-10. Review status: criteria provided, single submitter. Criteria: Ambry Variant Classification Scheme 2023. Collection method: clinical testing. Allele origin: germline.
Comment: The p.P1213R variant (also known as c.3638C>G), located in coding exon 23 of the SOS2 gene, results from a C to G substitution at nucleotide position 3638. The proline at codon 1213 is replaced by arginine, an amino acid with dissimilar properties. This amino acid position is conserved. In addition, the in silico prediction for this alteration is inconclusive. Based on the available evidence, the clinical significance of this variant remains unclear.

Labcorp Genetics (formerly Invitae), Labcorp
Classification: Uncertain significance for Noonan syndrome 9. Last evaluated: 2023-05-04. Review status: criteria provided, single submitter. Criteria: Invitae Variant Classification Sherloc (09022015). Collection method: clinical testing. Allele origin: germline.
Comment: This sequence change replaces proline, which is neutral and non-polar, with arginine, which is basic and polar, at codon 1213 of the SOS2 protein (p.Pro1213Arg). This variant is not present in population databases (gnomAD no frequency). This variant has not been reported in the literature in individuals affected with SOS2-related conditions. Advanced modeling of protein sequence and biophysical properties (such as structural, functional, and spatial information, amino acid conservation, physicochemical variation, residue mobility, and thermodynamic stability) performed at Invitae indicates that this missense variant is not expected to disrupt SOS2 protein function. In summary, the available evidence is currently insufficient to determine the role of this variant in disease. Therefore, it has been classified as a Variant of Uncertain Significance.